The following is an entry in ClinVar:

NM_015000.4(STK38L):c.673-3del

Gene: STK38L (serine/threonine kinase 38 like; plus strand). Cytogenetic location: 12p11.23.
Variant type: Deletion.
Coding change: c.673-3del on transcript NM_015000.4 (MANE Select); 3 bases into the intron before coding-DNA position 673, one base deleted (T; older notation c.673-3delT).
Molecular consequence: intron variant.
Genome position (GRCh38, 1-based): chr12:27,315,012, T deleted; the last of 9 consecutive T bases (chr12:27,315,004-27,315,012); deleting any one gives the same sequence. VCF-style (leftmost placement, unchanged base first): chr12-27315003-AT-A. GRCh37 (hg19) VCF-style: chr12-27467936-AT-A.
Other names: NC_000012.11:g.27467945del.
Identifiers: ClinVar variation 3050647 (VCV003050647.3), dbSNP rs759405089, ClinGen allele CA6492053.

ClinVar aggregate classification (germline): Likely benign (0 of 4 stars; one submission).

Conditions:
STK38L-related disorder. Also called: STK38L-related condition.

Submissions (3):

PreventionGenetics, part of Exact Sciences
Classification: Likely benign for STK38L-related condition. Last evaluated: 2019-07-16. Review status: no assertion criteria provided. Collection method: clinical testing. Allele origin: germline.
Comment: This variant is classified as likely benign based on ACMG/AMP sequence variant interpretation guidelines (Richards et al. 2015 PMID: 25741868, with internal and published modifications).

Dr. Peter K. Rogan Lab, Western University
No classification provided (evidence only). Condition: Familial cancer of breast. Review status: no classification provided. Collection method: in vitro. Allele origin: not applicable. Functional consequence: retained intron. Not counted in ClinVar's aggregate classification.

Dr. Peter K. Rogan Lab, Western University
No classification provided (evidence only). Condition: Familial cancer of breast. Review status: no classification provided. Collection method: in vitro. Allele origin: not applicable. Functional consequence: retained intron. Not counted in ClinVar's aggregate classification.